The following is an entry in ClinVar:

ClinVar aggregate classification (germline): Uncertain significance (1 of 4 stars; one submission).

Allele frequency attached by ClinVar (database versions not stated): TOPMed below 0.00001; gnomAD 0.00001; gnomAD exomes 0.00001; ExAC 0.00002.
gnomAD v4.1: 5 of 1,613,816 alleles (0.00031%); highest among the groups gnomAD compares: Admixed American, 0.0067%; no homozygotes.

Submission:

Ambry Genetics
Classification: Uncertain significance. Last evaluated: 2023-10-27. Review status: criteria provided, single submitter. Criteria: Ambry Variant Classification Scheme 2023. Collection method: clinical testing. Allele origin: germline.
Comment: The p.T1326A variant (also known as c.3976A>G), located in coding exon 16 of the POLQ gene, results from an A to G substitution at nucleotide position 3976. The threonine at codon 1326 is replaced by alanine, an amino acid with similar properties. This amino acid position is conserved. In addition, this alteration is predicted to be tolerated by in silico analysis. Since supporting evidence is limited at this time, the clinical significance of this alteration remains unclear.

NM_199420.4(POLQ):c.3976A>G (p.Thr1326Ala)

Gene: POLQ (DNA polymerase theta; minus strand). Cytogenetic location: 3q13.33.
Variant type: single nucleotide variant.
Coding change: c.3976A>G on transcript NM_199420.4 (MANE Select); coding-DNA position 3976, A replaced by G.
Protein change: p.Thr1326Ala; replaces threonine 1326 with alanine.
Molecular consequence: missense variant.
Genome position (GRCh38, 1-based): chr3:121,488,955, T>C on the plus strand (A>G on the coding strand, the complement: POLQ is on the minus strand). VCF-style: chr3-121488955-T-C. GRCh37 (hg19) VCF-style: chr3-121207802-T-C.
Other names: short protein forms T1326A.
Identifiers: ClinVar variation 1736648 (VCV001736648.2), dbSNP rs749695541, ClinGen allele CA2562980.